The following is an entry in ClinVar:

NM_001267550.2(TTN):c.102814G>C (p.Gly34272Arg)

Genes: TTN (titin; minus strand), TTN-AS1 (TTN antisense RNA 1; plus strand). Cytogenetic location: 2q31.2.
Variant type: single nucleotide variant.
Coding change: c.102814G>C on transcript NM_001267550.2 (MANE Select); coding-DNA position 102814, G replaced by C.
Protein change: p.Gly34272Arg; replaces glycine 34272 with arginine.
Molecular consequence: missense variant.
Genome position (GRCh38, 1-based): chr2:178,533,801, C>G on the plus strand (G>C on the coding strand, the complement: TTN is on the minus strand). VCF-style: chr2-178533801-C-G. GRCh37 (hg19) VCF-style: chr2-179398528-C-G.
Other names: p.G32631R:GGT>CGT; c.97891G>C, p.Gly32631Arg (NM_001256850.1); c.75619G>C, p.Gly25207Arg (NM_003319.4); c.95110G>C, p.Gly31704Arg (NM_133378.4); c.75994G>C, p.Gly25332Arg (NM_133432.3); c.76195G>C, p.Gly25399Arg (NM_133437.4); short protein forms G32631R, G34272R, G25332R, G25399R, G25207R, G31704R.
Identifiers: ClinVar variation 203069 (VCV000203069.9), dbSNP rs794729562, ClinGen allele CA311145.

ClinVar aggregate classification (germline): Conflicting classifications of pathogenicity. Review status: criteria provided, conflicting classifications (1 of 4 stars). 3 submissions from 3 submitters: Uncertain significance (2); Likely benign (1). Last evaluated 2025-10-15.

Conditions:
Autosomal recessive limb-girdle muscular dystrophy type 2J (LGMDR10). Also called: MUSCULAR DYSTROPHY, LIMB-GIRDLE, AUTOSOMAL RECESSIVE 10; Limb-girdle muscular dystrophy, type 2J. Identifiers: Orphanet 140922, MedGen C1837342, MONDO:0012127, OMIM 608807.
Dilated cardiomyopathy 1G (CMD1G). Identifiers: Orphanet 154, MedGen C1858763, MONDO:0011400, OMIM 604145.

Allele frequency attached by ClinVar (database versions not stated): gnomAD exomes 0.00001.
gnomAD v4.1: 20 of 1,613,962 alleles (0.0012%); highest among the groups gnomAD compares: Non-Finnish European, 0.0016%; no homozygotes.

Submissions (3):

Labcorp Genetics (formerly Invitae), Labcorp
Classification: Uncertain significance for Dilated cardiomyopathy 1G; Autosomal recessive limb-girdle muscular dystrophy type 2J. Last evaluated: 2025-10-15. Review status: criteria provided, single submitter. Criteria: Invitae Variant Classification Sherloc (09022015). Collection method: clinical testing. Allele origin: germline.
Comment: This sequence change replaces glycine, which is neutral and non-polar, with arginine, which is basic and polar, at codon 34272 of the TTN protein (p.Gly34272Arg). This variant is present in population databases (rs794729562, gnomAD 0.002%). This variant has not been reported in the literature in individuals affected with TTN-related conditions. ClinVar contains an entry for this variant (Variation ID: 203069). Experimental studies and prediction algorithms are not available or were not evaluated, and the functional significance of this variant is currently unknown. This variant is located in the M band of TTN (PMID: 25589632). Non-truncating variants in this region may be relevant for neuromuscular disorders, but have not been definitively shown to cause cardiomyopathy (PMID: 23975875). This variant is located in the M band of TTN (PMID: 25589632). Non-truncating variants in this region may be relevant for neuromuscular disorders, but have not been definitively shown to cause cardiomyopathy (PMID: 23975875). In summary, the available evidence is currently insufficient to determine the role of this variant in disease. Therefore, it has been classified as a Variant of Uncertain Significance.

Blueprint Genetics
Classification: Likely benign. Last evaluated: 2023-05-31. Review status: criteria provided, single submitter. Criteria: ACMG Guidelines, 2015. Collection method: clinical testing. Allele origin: germline.

GeneDx
Classification: Uncertain significance. Last evaluated: 2014-06-26. Review status: criteria provided, single submitter. Criteria: GeneDx Variant Classification (06012015). Collection method: clinical testing. Allele origin: germline. Affected: yes.
Comment: Missense variants in the TTN gene are considered 'unclassified' if they are not previously reported in the literature and do not have >1% frequency in the population to be considered a polymorphism. Research indicates that truncating mutations in the TTN gene are expected to account for approximately 25% of familial and 18% of sporadic idiopathic DCM; however, truncating variants in the TTN gene have been reported in approximately 3% of reported control alleles. There has been little investigation into non-truncating variants. (Herman D et al. Truncations of titin causing dilated cardiomyopathy. N Eng J Med 366:619-628, 2012) The variant is found in DCM-CRDM panel(s).

Literature cited by the submitters: PubMed 25589632 (cited by Labcorp Genetics (formerly Invitae), Labcorp); PubMed 23975875 (cited by Labcorp Genetics (formerly Invitae), Labcorp).